The following is an entry in ClinVar:

NM_000059.4(BRCA2):c.7910_7911insGAAA (p.Phe2638fs)

Gene: BRCA2 (BRCA2 DNA repair associated; plus strand). Cytogenetic location: 13q13.1.
Variant type: Insertion.
Coding change: c.7910_7911insGAAA on transcript NM_000059.4 (MANE Select); coding-DNA positions 7910 to 7911, GAAA inserted.
Protein change: p.Phe2638fs; shifts the reading frame from phenylalanine 2638.
Molecular consequence: frameshift variant.
Genome position: GRCh38 VCF-style: chr13-32362627-C-CGAAA. GRCh37 (hg19) VCF-style: chr13-32936764-C-CGAAA.
Other names: short protein forms F2638fs.
Identifiers: ClinVar variation 548370 (VCV000548370.1), dbSNP rs1555286851, ClinGen allele CA658823757.

ClinVar aggregate classification (germline): Pathogenic (3 of 4 stars; one submission).

Conditions:
Breast-ovarian cancer, familial, susceptibility to, 2 (BROVCA2). Also called: BRCA2 Hereditary Breast and Ovarian Cancer. Identifiers: Orphanet 145, MedGen C2675520, MONDO:0012933, OMIM 612555. Disease mechanism: loss of function.

Submission:

Evidence-based Network for the Interpretation of Germline Mutant Alleles (ENIGMA)
Classification: Pathogenic for Breast-ovarian cancer, familial, susceptibility to, 2. Last evaluated: 2017-12-15. Review status: reviewed by expert panel. Criteria: ENIGMA BRCA1/2 Classification Criteria (2017-06-29). Collection method: curation. Allele origin: germline. Study: ENIGMA.
Comment: Variant allele predicted to encode a truncated non-functional protein.